The following is an entry in ClinVar:

ClinVar aggregate classification (germline): Conflicting classifications of pathogenicity. Review status: criteria provided, conflicting classifications (1 of 4 stars). 2 submissions from 2 submitters: Uncertain significance (1); Likely benign (1). Last evaluated 2023-08-01.

Conditions:
Menstrual cycle-dependent periodic fever. Identifiers: Orphanet 498251, MedGen C3553418, MONDO:0044660, OMIM 614674.

Allele frequency attached by ClinVar (database versions not stated): gnomAD 0.00006; ExAC 0.00007; gnomAD exomes 0.00009.

Submissions (2):

CeGaT Center for Human Genetics Tuebingen
Classification: Likely benign. Last evaluated: 2023-08-01. Review status: criteria provided, single submitter. Criteria: CeGaT Center For Human Genetics Tuebingen Variant Classification Criteria Version 2. Collection method: clinical testing. Allele origin: germline. Affected: yes. Observed: 1 variant allele.
Comment: HTR1A: BP4

Department of Pathology and Laboratory Medicine, Sinai Health System
Classification: Uncertain significance for Menstrual cycle-dependent periodic fever. Last evaluated: 2022-02-17. Review status: criteria provided, single submitter. Criteria: ACMG Guidelines, 2015. Collection method: research. Allele origin: germline.

NM_000524.4(HTR1A):c.709G>A (p.Gly237Arg)

Gene: HTR1A (5-hydroxytryptamine receptor 1A; minus strand). Cytogenetic location: 5q12.3.
Variant type: single nucleotide variant.
Coding change: c.709G>A on transcript NM_000524.4 (MANE Select); coding-DNA position 709, G replaced by A.
Protein change: p.Gly237Arg; replaces glycine 237 with arginine.
Molecular consequence: missense variant.
Genome position (GRCh38, 1-based): chr5:63,961,011, C>T on the plus strand (G>A on the coding strand, the complement: HTR1A is on the minus strand). VCF-style: chr5-63961011-C-T. GRCh37 (hg19) VCF-style: chr5-63256838-C-T.
Other names: short protein forms G237R.
Identifiers: ClinVar variation 2655491 (VCV002655491.25), dbSNP rs201899093, ClinGen allele CA3280869.
Genomic context (GRCh38, chr5:63,961,011, plus strand): 5'-CTCCATTCACACTCTTCTTGGGCTGCGGGGCGGGAGATGCTCCATGGCGGGTGTCCGCTC[C>T]GGTCTTCTCCACCTTTTTGACCGTCTTGCGGATGCGGAAGCGCGCAGCTCGGAATATGCG-3'
Protein context (NP_000515.2, residues 227-247): RKTVKKVEKT[Gly237Arg]ADTRHGASPA